The following is an entry in ClinVar:

ClinVar aggregate classification (germline): Uncertain significance (1 of 4 stars; one submission).

Conditions:
Leber congenital amaurosis 9 (LCA9). Also called: LCA9 Leber Congenital Amaurosis; LCA 9; Amaurosis congenita of Leber, type 9. Identifiers: Orphanet 65, MedGen C1837873, MONDO:0012056, OMIM 608553.

Submission:

Labcorp Genetics (formerly Invitae), Labcorp
Classification: Uncertain significance for Leber congenital amaurosis 9. Last evaluated: 2022-03-27. Review status: criteria provided, single submitter. Criteria: Invitae Variant Classification Sherloc (09022015). Collection method: clinical testing. Allele origin: germline.
Comment: In summary, the available evidence is currently insufficient to determine the role of this variant in disease. Therefore, it has been classified as a Variant of Uncertain Significance. Algorithms developed to predict the effect of sequence changes on RNA splicing suggest that this variant may create or strengthen a splice site. Algorithms developed to predict the effect of missense changes on protein structure and function output the following: SIFT: "Tolerated"; PolyPhen-2: "Benign"; Align-GVGD: "Class C0". The arginine amino acid residue is found in multiple mammalian species, which suggests that this missense change does not adversely affect protein function. This variant has not been reported in the literature in individuals affected with NMNAT1-related conditions. This variant is not present in population databases (gnomAD no frequency). This sequence change replaces lysine, which is basic and polar, with arginine, which is basic and polar, at codon 56 of the NMNAT1 protein (p.Lys56Arg).

NM_022787.4(NMNAT1):c.167A>G (p.Lys56Arg)

Gene: NMNAT1 (nicotinamide nucleotide adenylyltransferase 1; plus strand). Cytogenetic location: 1p36.22.
Variant type: single nucleotide variant.
Coding change: c.167A>G on transcript NM_022787.4 (MANE Select); coding-DNA position 167, A replaced by G.
Protein change: p.Lys56Arg; replaces lysine 56 with arginine.
Molecular consequence: missense variant.
Genome position (GRCh38, 1-based): chr1:9,975,643, A>G. VCF-style: chr1-9975643-A-G. GRCh37 (hg19) VCF-style: chr1-10035701-A-G.
Other names: c.167A>G, p.Lys56Arg (NM_001297778.1, NM_001297779.2); short protein forms K56R.
Identifiers: ClinVar variation 2112826 (VCV002112826.4), dbSNP rs776917562, ClinGen allele CA338684341.